The following is an entry in ClinVar:

NM_139076.3(ABRAXAS1):c.55G>T (p.Ala19Ser)

Genes: ABRAXAS1 (abraxas 1, BRCA1 A complex subunit; minus strand), LOC129992784 (ATAC-STARR-seq lymphoblastoid silent region 15542; plus strand). Cytogenetic location: 4q21.23.
Variant type: single nucleotide variant.
Coding change: c.55G>T on transcript NM_139076.3 (MANE Select); coding-DNA position 55, G replaced by T.
Protein change: p.Ala19Ser; replaces alanine 19 with serine.
Molecular consequence: missense variant. On other transcripts: 5 prime UTR variant (1).
Genome position (GRCh38, 1-based): chr4:83,485,018, C>A on the plus strand (G>T on the coding strand, the complement: ABRAXAS1 is on the minus strand). VCF-style: chr4-83485018-C-A. GRCh37 (hg19) VCF-style: chr4-84406171-C-A.
Other names: c.-206G>T (NM_001345962.2); short protein forms A19S.
Identifiers: ClinVar variation 1800075 (VCV001800075.3), dbSNP rs2110051922, ClinGen allele CA357263970.

ClinVar aggregate classification (germline): Uncertain significance (1 of 4 stars; one submission).

Submission:

Ambry Genetics
Classification: Uncertain significance. Last evaluated: 2022-04-20. Review status: criteria provided, single submitter. Criteria: Ambry Variant Classification Scheme 2023. Collection method: clinical testing. Allele origin: germline.
Comment: The p.A19S variant (also known as c.55G>T), located in coding exon 1 of the FAM175A gene, results from a G to T substitution at nucleotide position 55. The alanine at codon 19 is replaced by serine, an amino acid with similar properties. This amino acid position is conserved. In addition, this alteration is predicted to be tolerated by in silico analysis. Since supporting evidence is limited at this time, the clinical significance of this alteration remains unclear.